The following is an entry in ClinVar:

ClinVar aggregate classification (germline): Benign/Likely benign. Review status: criteria provided, multiple submitters, no conflicts (2 of 4 stars). 3 submissions from 3 submitters: Benign (1); Likely benign (2). Last evaluated 2018-06-16.

Conditions:
Charcot-Marie-Tooth disease type 4H (CMT4H). Also called: CHARCOT-MARIE-TOOTH DISEASE, AUTOSOMAL RECESSIVE, TYPE 4H; CHARCOT-MARIE-TOOTH DISEASE, DEMYELINATING, AUTOSOMAL RECESSIVE, TYPE 4H; CHARCOT-MARIE-TOOTH NEUROPATHY, TYPE 4H; CHARCOT-MARIE-TOOTH DISEASE, DEMYELINATING, TYPE 4H. Identifiers: Orphanet 99954, MedGen C1836336, MONDO:0012250, OMIM 609311.

Allele frequency attached by ClinVar (database versions not stated): gnomAD exomes 0.00118 and 0.00308; ExAC 0.00349; gnomAD 0.01129 and 0.01207; ESP Exome Variant Server 0.01153; 1000 Genomes Project 30x 0.01187; 1000 Genomes Project 0.01198; TOPMed 0.01300.
gnomAD v4.1: 3,513 of 1,613,074 alleles (0.22%); highest among the groups gnomAD compares: African/African-American, 3.7%; 56 homozygotes.

Submissions (3):

GeneDx
Classification: Likely benign. Last evaluated: 2018-06-16. Review status: criteria provided, single submitter. Criteria: GeneDx Variant Classification Process June 2021. Collection method: clinical testing. Allele origin: germline. Affected: yes.

Illumina Laboratory Services, Illumina
Classification: Benign for Charcot-Marie-Tooth disease type 4H. Last evaluated: 2018-01-13. Review status: criteria provided, single submitter. Criteria: ICSL Variant Classification Criteria 13 December 2019. Collection method: clinical testing. Allele origin: germline.
Comment: This variant was observed in the ICSL laboratory as part of a predisposition screen in an ostensibly healthy population. It had not been previously curated by ICSL or reported in the Human Gene Mutation Database (HGMD: prior to June 1st, 2018), and was therefore a candidate for classification through an automated scoring system. Utilizing variant allele frequency, disease prevalence and penetrance estimates, and inheritance mode, an automated score was calculated to assess if this variant is too frequent to cause the disease. Based on the score and internal cut-off values, a variant classified as benign is not then subjected to further curation. The score for this variant resulted in a classification of benign for this disease.

Breakthrough Genomics
Classification: Likely benign. Review status: criteria provided, single submitter. Criteria: ACMG Guidelines, 2015. Collection method: not provided. Allele origin: germline. Inheritance: Autosomal recessive inheritance. Affected: yes.

NM_001370298.3(FGD4):c.*22G>A

Gene: FGD4 (FYVE, RhoGEF and PH domain containing 4; plus strand). Cytogenetic location: 12p11.21.
Variant type: single nucleotide variant.
Coding change: c.*22G>A on transcript NM_001370298.3 (MANE Select); 22 bases downstream of the stop codon, G replaced by A.
Molecular consequence: 3 prime UTR variant. On other transcripts: intron variant (3).
Genome position (GRCh38, 1-based): chr12:32,640,555, G>A. VCF-style: chr12-32640555-G-A. GRCh37 (hg19) VCF-style: chr12-32793489-G-A.
Other names: c.*22G>A (NM_001304481.2, NM_001304484.2, NM_001330373.2 and 5 more transcripts); c.2632+102G>A (NM_001384126.1); c.2221+102G>A (NM_001384127.1, NM_001384128.1).
Identifiers: ClinVar variation 308301 (VCV000308301.9), dbSNP rs114284024, ClinGen allele CA6507152.